The following is an entry in ClinVar:

ClinVar aggregate classification (germline): Likely pathogenic (1 of 4 stars; one submission).

Submission:

GeneDx
Classification: Likely pathogenic. Last evaluated: 2016-09-19. Review status: criteria provided, single submitter. Criteria: GeneDx Variant Classification (06012015). Collection method: clinical testing. Allele origin: germline. Affected: yes.
Comment: The c.4590delC variant in the RYR1 gene has not been reported previously as a pathogenic variant nor as a benign variant, to our knowledge. This variant is predicted to cause loss of normal protein function either through protein truncation or nonsense-mediated mRNA decay. The c.4590delC variant was not observed in approximately 6,500 individuals of European and African American ancestry in the NHLBI Exome Sequencing Project, indicating it is not a common benign variant in these populations. Based on review of the data in the context of the 2015 ACMG standards and guidelines for the interpretation of sequence variants (Richards et al., 2015), we now interpret c.4590delC as a likely pathogenic variant; however, the possibility it may be a rare benign variant cannot be excluded.

NM_000540.3(RYR1):c.4590del (p.Asn1531fs)

Gene: RYR1 (ryanodine receptor 1; plus strand). Cytogenetic location: 19q13.2.
Variant type: Deletion.
Coding change: c.4590del on transcript NM_000540.3 (MANE Select); coding-DNA position 4590, one base deleted (C; older notation c.4590delC).
Protein change: p.Asn1531fs; shifts the reading frame from asparagine 1531.
Molecular consequence: frameshift variant.
Genome position (GRCh38, 1-based): chr19:38,478,570, C deleted; the last of 2 consecutive C bases (chr19:38,478,569-38,478,570); deleting either gives the same sequence. VCF-style (leftmost placement, unchanged base first): chr19-38478568-GC-G. GRCh37 (hg19) VCF-style: chr19-38969208-GC-G.
Other names: c.4590delC (NM_000540.2); c.4590del, p.Asn1531fs (NM_001042723.2); short protein forms N1531fs.
Identifiers: ClinVar variation 418461 (VCV000418461.2), dbSNP rs1064793254, ClinGen allele CA16620831.